The following is an entry in ClinVar:

NC_000019.9:g.(?_45854887)_(45873798_?)del

Gene: ERCC2 (ERCC excision repair 2, TFIIH core complex helicase subunit; minus strand). Cytogenetic location: 19q13.32.
Variant type: Deletion.
Identifiers: ClinVar variation 3242637 (VCV003242637.1).

ClinVar aggregate classification (germline): Pathogenic (1 of 4 stars; one submission).

Submission:

Labcorp Genetics (formerly Invitae), Labcorp
Classification: Pathogenic. Last evaluated: 2023-08-30. Review status: criteria provided, single submitter. Criteria: Invitae Variant Classification Sherloc (09022015). Collection method: clinical testing. Allele origin: unknown.
Comment: A gross deletion of the genomic region encompassing the full coding sequence of the ERCC2 gene has been identified. Loss-of-function variants in ERCC2 are known to be pathogenic (PMID: 9238033, 11335038, 19085937, 19934020). The boundaries of this event are unknown as they extend beyond the assayed region for this gene and therefore may encompass additional genes. This variant has not been reported in the literature in individuals affected with ERCC2-related conditions. For these reasons, this variant has been classified as Pathogenic.

Literature cited by the submitters: PubMed 9238033; PubMed 11335038; PubMed 19085937; PubMed 19934020.